The following is an entry in ClinVar:

NM_001199397.3(NEK1):c.1834-11T>A

Gene: NEK1 (NIMA related kinase 1; minus strand). Cytogenetic location: 4q33.
Variant type: single nucleotide variant.
Coding change: c.1834-11T>A on transcript NM_001199397.3 (MANE Select); 11 bases into the intron before coding-DNA position 1834, T replaced by A.
Molecular consequence: intron variant.
Genome position (GRCh38, 1-based): chr4:169,507,803, A>T on the plus strand (T>A on the coding strand, the complement: NEK1 is on the minus strand). VCF-style: chr4-169507803-A-T. GRCh37 (hg19) VCF-style: chr4-170428954-A-T.
Other names: c.1624-11T>A (NM_001374421.1); c.1699-11T>A (NM_001374420.1); c.1543-11T>A (NM_001199399.3); c.1702-11T>A (NM_001199398.3); c.1750-11T>A (NM_001374419.1, NM_012224.4); c.1618-11T>A (NM_001199400.3); c.1834-11T>A (NM_001374418.1).
Identifiers: ClinVar variation 1995804 (VCV001995804.4), dbSNP rs1166159246, ClinGen allele CA790741759.
Genomic context (GRCh38, chr4:169,507,803, plus strand): 5'-ATGTCAGCCTCTTCACTTCCTTCTTGTCCTTCAGAATGATTAGCTTCTTTCTACAAAATA[A>T]GTAGATAAGCAAATCACTTAGGATAGAATCATCAAATTGAGTGCAGAGCTCTGTGAAAGA-3'

ClinVar aggregate classification (germline): Uncertain significance (1 of 4 stars; one submission).

Conditions:
Short-rib thoracic dysplasia 6 with or without polydactyly (SRTD6). Also called: SHORT-RIB THORACIC DYSPLASIA 6 WITHOUT POLYDACTYLY; SHORT-RIB THORACIC DYSPLASIA 6 WITH POLYDACTYLY; SHORT RIB-POLYDACTYLY SYNDROME, TYPE IIA; POLYDACTYLY WITH NEONATAL CHONDRODYSTROPHY, TYPE II; Majewski Syndrome. Identifiers: MedGen C0024507, MONDO:0009894, OMIM 263520.

Allele frequency attached by ClinVar (database versions not stated): gnomAD exomes below 0.00001; TOPMed below 0.00001; gnomAD 0.00001.
gnomAD v4.1: 2 of 1,599,542 alleles (0.00013%); highest among the groups gnomAD compares: African/African-American, 0.0027%; no homozygotes.

Submission:

Labcorp Genetics (formerly Invitae), Labcorp
Classification: Uncertain significance for Short-rib thoracic dysplasia 6 with or without polydactyly. Last evaluated: 2022-08-22. Review status: criteria provided, single submitter. Criteria: Invitae Variant Classification Sherloc (09022015). Collection method: clinical testing. Allele origin: germline.
Comment: This sequence change falls in intron 19 of the NEK1 gene. It does not directly change the encoded amino acid sequence of the NEK1 protein. This variant is not present in population databases (gnomAD no frequency). This variant has not been reported in the literature in individuals affected with NEK1-related conditions. Algorithms developed to predict the effect of sequence changes on RNA splicing suggest that this variant may create or strengthen a splice site. In summary, the available evidence is currently insufficient to determine the role of this variant in disease. Therefore, it has been classified as a Variant of Uncertain Significance.